The following is an entry in ClinVar:

NM_177438.3(DICER1):c.734+1G>A

Gene: DICER1 (dicer 1, ribonuclease III; minus strand). Cytogenetic location: 14q32.13.
Variant type: single nucleotide variant.
Coding change: c.734+1G>A on transcript NM_177438.3 (MANE Select); the canonical splice donor site of the intron after coding-DNA position 734, G replaced by A.
Molecular consequence: splice donor variant.
Genome position (GRCh38, 1-based): chr14:95,129,471, C>T on the plus strand (G>A on the coding strand, the complement: DICER1 is on the minus strand). VCF-style: chr14-95129471-C-T. GRCh37 (hg19) VCF-style: chr14-95595808-C-T.
Other names: c.734+1G>A (NM_001291628.2, NM_030621.4, NM_001395677.1 and 14 more transcripts); c.329+1G>A (NM_001395690.1, NM_001395687.1, NM_001395689.1 and 3 more transcripts); c.452+1G>A (NM_001395686.1); c.167+1G>A (NM_001395691.1); c.-835+1G>A (NM_001395697.1).
Identifiers: ClinVar variation 2131852 (VCV002131852.4), dbSNP rs2140259561, ClinGen allele CA390887955.

ClinVar aggregate classification (germline): Likely pathogenic (1 of 4 stars; one submission).

Conditions:
DICER1-related tumor predisposition. Also called: DICER1 syndrome; DICER1-related pleuropulmonary blastoma cancer predisposition syndrome. Identifiers: Orphanet 284343, MedGen C3839822, MONDO:0100216.

Submission:

Labcorp Genetics (formerly Invitae), Labcorp
Classification: Likely pathogenic for DICER1-related tumor predisposition. Last evaluated: 2022-04-29. Review status: criteria provided, single submitter. Criteria: Invitae Variant Classification Sherloc (09022015). Collection method: clinical testing. Allele origin: germline.
Comment: In summary, the currently available evidence indicates that the variant is pathogenic, but additional data are needed to prove that conclusively. Therefore, this variant has been classified as Likely Pathogenic. Algorithms developed to predict the effect of sequence changes on RNA splicing suggest that this variant may disrupt the consensus splice site. This variant has not been reported in the literature in individuals affected with DICER1-related conditions. This variant is not present in population databases (gnomAD no frequency). This sequence change affects a donor splice site in intron 6 of the DICER1 gene. It is expected to disrupt RNA splicing. Variants that disrupt the donor or acceptor splice site typically lead to a loss of protein function (PMID: 16199547), and loss-of-function variants in DICER1 are known to be pathogenic (PMID: 19556464, 21266384).

Literature cited by the submitters: PubMed 16199547; PubMed 19556464; PubMed 21266384.